The following is an entry in ClinVar:

ClinVar aggregate classification (germline): Uncertain significance (1 of 4 stars; one submission).

Conditions:
Birt-Hogg-Dube syndrome. Also called: Birt Hogg Dubé syndrome. Identifiers: Orphanet 122, MedGen C0346010, MONDO:0800444.

Submission:

Labcorp Genetics (formerly Invitae), Labcorp
Classification: Uncertain significance for Birt-Hogg-Dube syndrome. Last evaluated: 2020-10-25. Review status: criteria provided, single submitter. Criteria: Invitae Variant Classification Sherloc (09022015). Collection method: clinical testing. Allele origin: germline.
Comment: In summary, the available evidence is currently insufficient to determine the role of this variant in disease. Therefore, it has been classified as a Variant of Uncertain Significance. Algorithms developed to predict the effect of missense changes on protein structure and function (SIFT, PolyPhen-2, Align-GVGD) all suggest that this variant is likely to be tolerated, but these predictions have not been confirmed by published functional studies and their clinical significance is uncertain. This variant has not been reported in the literature in individuals with FLCN-related conditions. This variant is not present in population databases (ExAC no frequency). This sequence change replaces arginine with leucine at codon 341 of the FLCN protein (p.Arg341Leu). The arginine residue is weakly conserved and there is a moderate physicochemical difference between arginine and leucine.

NM_144997.7(FLCN):c.1022G>T (p.Arg341Leu)

Gene: FLCN (folliculin; minus strand). Cytogenetic location: 17p11.2.
Variant type: single nucleotide variant.
Coding change: c.1022G>T on transcript NM_144997.7 (MANE Select); coding-DNA position 1022, G replaced by T.
Protein change: p.Arg341Leu; replaces arginine 341 with leucine.
Molecular consequence: missense variant.
Genome position (GRCh38, 1-based): chr17:17,219,059, C>A on the plus strand (G>T on the coding strand, the complement: FLCN is on the minus strand). VCF-style: chr17-17219059-C-A. GRCh37 (hg19) VCF-style: chr17-17122373-C-A.
Other names: c.1076G>T, p.Arg359Leu (NM_001353229.2); c.1022G>T, p.Arg341Leu (NM_001353230.2, NM_001353231.2); short protein forms R341L, R359L.
Identifiers: ClinVar variation 1063850 (VCV001063850.5), dbSNP rs375352888, ClinGen allele CA398532721.